The following is an entry in ClinVar:

ClinVar aggregate classification (germline): Uncertain significance (1 of 4 stars; one submission).

Submission:

Labcorp Genetics (formerly Invitae), Labcorp
Classification: Uncertain significance. Last evaluated: 2025-06-27. Review status: criteria provided, single submitter. Criteria: Invitae Variant Classification Sherloc (09022015). Collection method: clinical testing. Allele origin: germline.
Comment: This sequence change replaces tyrosine, which is neutral and polar, with phenylalanine, which is neutral and non-polar, at codon 622 of the SETD5 protein (p.Tyr622Phe). This variant is not present in population databases (gnomAD no frequency). This variant has not been reported in the literature in individuals affected with SETD5-related conditions. Invitae Evidence Modeling of protein sequence and biophysical properties (such as structural, functional, and spatial information, amino acid conservation, physicochemical variation, residue mobility, and thermodynamic stability) indicates that this missense variant is expected to disrupt SETD5 protein function with a positive predictive value of 80%. In summary, the available evidence is currently insufficient to determine the role of this variant in disease. Therefore, it has been classified as a Variant of Uncertain Significance.

NM_001080517.3(SETD5):c.1865A>T (p.Tyr622Phe)

Gene: SETD5 (SET domain containing 5; plus strand). Cytogenetic location: 3p25.3.
Variant type: single nucleotide variant.
Coding change: c.1865A>T on transcript NM_001080517.3 (MANE Select); coding-DNA position 1865, A replaced by T.
Protein change: p.Tyr622Phe; replaces tyrosine 622 with phenylalanine.
Molecular consequence: missense variant.
Genome position (GRCh38, 1-based): chr3:9,447,768, A>T. VCF-style: chr3-9447768-A-T. GRCh37 (hg19) VCF-style: chr3-9489452-A-T.
Other names: c.1571A>T, p.Tyr524Phe (NM_001292043.2, NM_001349451.2); c.1961A>T, p.Tyr654Phe (NM_001437633.1); c.1922A>T, p.Tyr641Phe (NM_001437635.1); c.1865A>T, p.Tyr622Phe (NM_001437643.1); c.1904A>T, p.Tyr635Phe (NM_001437701.1); short protein forms Y622F, Y524F, Y635F, Y641F, Y654F.
Identifiers: ClinVar variation 4743185 (VCV004743185.1).